The following is an entry in ClinVar:

ClinVar aggregate classification (germline): Conflicting classifications of pathogenicity. Review status: criteria provided, conflicting classifications (1 of 4 stars). 4 submissions from 4 submitters: Likely pathogenic (2); Uncertain significance (1). 1 of the submissions does not count toward it. Last evaluated 2024-08-28.

Conditions:
Inborn genetic diseases. Identifiers: MedGen C0950123, MeSH D030342.
EAST syndrome (SESAMES). Also called: SEIZURES, SENSORINEURAL DEAFNESS, ATAXIA, IMPAIRED INTELLECTUAL DEVELOPMENT, AND ELECTROLYTE IMBALANCE. Identifiers: Orphanet 199343, MedGen C2748572, MONDO:0013005, OMIM 612780.

Allele frequency attached by ClinVar (database versions not stated): gnomAD exomes 0.00001; ExAC 0.00002; TOPMed 0.00002.
gnomAD v4.1: 9 of 1,570,518 alleles (0.00057%); highest among the groups gnomAD compares: Admixed American, 0.0018%; no homozygotes.

Submissions (4):

Labcorp Genetics (formerly Invitae), Labcorp
Classification: Uncertain significance for EAST syndrome. Last evaluated: 2024-08-28. Review status: criteria provided, single submitter. Criteria: Invitae Variant Classification Sherloc (09022015). Collection method: clinical testing. Allele origin: germline.
Comment: This sequence change replaces arginine, which is basic and polar, with glutamine, which is neutral and polar, at codon 175 of the KCNJ10 protein (p.Arg175Gln). This variant is present in population databases (rs397514673, gnomAD 0.006%). This missense change has been observed in individual(s) with EAST syndrome (PMID: 20651251). ClinVar contains an entry for this variant (Variation ID: 41471). Invitae Evidence Modeling of protein sequence and biophysical properties (such as structural, functional, and spatial information, amino acid conservation, physicochemical variation, residue mobility, and thermodynamic stability) indicates that this missense variant is expected to disrupt KCNJ10 protein function with a positive predictive value of 80%. Experimental studies have shown that this missense change affects KCNJ10 function (PMID: 20651251). In summary, the available evidence is currently insufficient to determine the role of this variant in disease. Therefore, it has been classified as a Variant of Uncertain Significance.

Genetic Services Laboratory, University of Chicago
Classification: Likely pathogenic. Last evaluated: 2019-07-16. Review status: criteria provided, single submitter. Criteria: ACMG Guidelines, 2015. Collection method: clinical testing. Allele origin: germline. Affected: yes.
Comment: This sequence change, c.524G>A, in exon 2 results in an amino acid change, p.Arg175Gln. This has been previously described in the homozygous state a patient with ataxia, infantile onset epilepsy, sensorineural hearing loss and biochemical studies consistent with hypomagnesemia and hypokalemia (Reichold et al., 2010). In vitro functional expression assays showed that this variant severely impaired Kir4.1 channel activity through reducing channel open probability and PIP2 affinity which is important for channel activity. These results were suggestive of loss of channel function (Reichold et al., 2010). This particular sequence change has been described in the gnomAD database in two individuals in the heterozygous state which corresponds to a population frequency of 0.00092% (rs397514673). The p.Arg175Gln change affects a highly conserved amino acid residue located in a domain of the KCNJ10 protein that is known to be functional. The p.Arg175Gln substitution appears to be deleterious using several in-silico pathogenicity prediction tools (SIFT, PolyPhen2, Align GVGD, REVEL). These evidences indicate that this sequence change is likely pathogenic.

Ambry Genetics
Classification: Likely pathogenic for Inborn genetic diseases. Last evaluated: 2017-08-25. Review status: criteria provided, single submitter. Criteria: Ambry Variant Classification Scheme 2023. Collection method: clinical testing. Allele origin: germline.
Comment: The p.R175Q variant (also known as c.524G>A), located in coding exon 1 of the KCNJ10 gene, results from a G to A substitution at nucleotide position 524. The arginine at codon 175 is replaced by glutamine, an amino acid with highly similar properties. In one study, this variant was detected as homozygous in an individual with a diagnosis of EAST syndrome who had epilepsy, ataxia, sensorineural deafness, hypomagnesemia, and hypokalemia. In addition, authors of this study performed functional studies showing that this alteration causes a marked impairment of channel function, a decrease in current, and a remarkable shift of pH sensitivity (Reichold M et al. Proc. Natl. Acad. Sci. U.S.A., 2010 Aug;107:14490-5). This amino acid position is highly conserved in available vertebrate species. In addition, this alteration is predicted to be deleterious by in silico analysis. Based on the majority of available evidence to date, this variant is likely to be pathogenic.

OMIM
Classification: Pathogenic for SEIZURES, SENSORINEURAL DEAFNESS, ATAXIA, IMPAIRED INTELLECTUAL DEVELOPMENT, AND ELECTROLYTE IMBALANCE. Last evaluated: 2010-08-10. Review status: no assertion criteria provided. Collection method: literature only. Allele origin: germline. Not counted in ClinVar's aggregate classification.

Literature cited by the submitters: PubMed 20651251 (cited by 3 submitters); PubMed 21221631 (cited by Ambry Genetics); PubMed 24193250 (cited by Ambry Genetics); PubMed 24480364 (cited by Ambry Genetics); PubMed 27500072 (cited by Ambry Genetics).

NM_002241.5(KCNJ10):c.524G>A (p.Arg175Gln)

Gene: KCNJ10 (potassium inwardly rectifying channel subfamily J member 10; minus strand). Cytogenetic location: 1q23.2.
Variant type: single nucleotide variant.
Coding change: c.524G>A on transcript NM_002241.5 (MANE Select); coding-DNA position 524, G replaced by A.
Protein change: p.Arg175Gln; replaces arginine 175 with glutamine.
Molecular consequence: missense variant.
Genome position (GRCh38, 1-based): chr1:160,042,009, C>T on the plus strand (G>A on the coding strand, the complement: KCNJ10 is on the minus strand). VCF-style: chr1-160042009-C-T. GRCh37 (hg19) VCF-style: chr1-160011799-C-T.
Other names: short protein forms R175Q.
Identifiers: ClinVar variation 41471 (VCV000041471.18), dbSNP rs397514673, ClinGen allele CA130855.